The following is an entry in ClinVar:

ClinVar aggregate classification (germline): Uncertain significance. Review status: criteria provided, multiple submitters, no conflicts (2 of 4 stars). 2 submissions from 2 submitters: Uncertain significance (2). Last evaluated 2025-10-22.

Conditions:
Hereditary cancer-predisposing syndrome. Also called: Tumor predisposition; Hereditary neoplastic syndrome; Neoplastic Syndromes, Hereditary; Hereditary Cancer Syndrome. Identifiers: Orphanet 140162, MedGen C0027672, MeSH D009386, MONDO:0015356.
Hereditary nonpolyposis colorectal neoplasms. Identifiers: MedGen C0009405, MeSH D003123.

Submissions (2):

Ambry Genetics
Classification: Uncertain significance for Hereditary cancer-predisposing syndrome. Last evaluated: 2025-10-22. Review status: criteria provided, single submitter. Criteria: Ambry Variant Classification Scheme 2023. Collection method: clinical testing. Allele origin: germline.
Comment: The p.S791R variant (also known as c.2373C>G), located in coding exon 14 of the PMS2 gene, results from a C to G substitution at nucleotide position 2373. The serine at codon 791 is replaced by arginine, an amino acid with dissimilar properties. This amino acid position is highly conserved in available vertebrate species. In addition, the in silico prediction for this alteration is inconclusive. Based on the available evidence, the clinical significance of this variant remains unclear.

Labcorp Genetics (formerly Invitae), Labcorp
Classification: Uncertain significance for Hereditary nonpolyposis colorectal neoplasms. Last evaluated: 2021-08-27. Review status: criteria provided, single submitter. Criteria: Invitae Variant Classification Sherloc (09022015). Collection method: clinical testing. Allele origin: germline.
Comment: This sequence change replaces serine with arginine at codon 791 of the PMS2 protein (p.Ser791Arg). The serine residue is highly conserved and there is a moderate physicochemical difference between serine and arginine. The frequency data for this variant in the population databases (ExAC) is considered unreliable due to the presence of homologous sequence, such as pseudogenes or paralogs, in the genome. This variant has not been reported in the literature in individuals affected with PMS2-related conditions. Algorithms developed to predict the effect of missense changes on protein structure and function are either unavailable or do not agree on the potential impact of this missense change (SIFT: "Deleterious"; PolyPhen-2: "Probably Damaging"; Align-GVGD: "Class C15"). In summary, the available evidence is currently insufficient to determine the role of this variant in disease. Therefore, it has been classified as a Variant of Uncertain Significance.

NM_000535.7(PMS2):c.2373C>G (p.Ser791Arg)

Gene: PMS2 (PMS1 homolog 2, mismatch repair system component; minus strand). Cytogenetic location: 7p22.1.
Variant type: single nucleotide variant.
Coding change: c.2373C>G on transcript NM_000535.7 (MANE Select); coding-DNA position 2373, C replaced by G.
Protein change: p.Ser791Arg; replaces serine 791 with arginine.
Molecular consequence: missense variant. On other transcripts: non-coding transcript variant (1).
Genome position (GRCh38, 1-based): chr7:5,977,660, G>C on the plus strand (C>G on the coding strand, the complement: PMS2 is on the minus strand). VCF-style: chr7-5977660-G-C. GRCh37 (hg19) VCF-style: chr7-6017291-G-C.
Other names: c.1968C>G, p.Ser656Arg (NM_001322003.2, NM_001322004.2, NM_001322005.2); c.2217C>G, p.Ser739Arg (NM_001322006.2); c.2055C>G, p.Ser685Arg (NM_001322007.2, NM_001322008.2); c.2001C>G, p.Ser667Arg (NM_001322009.2); c.1812C>G, p.Ser604Arg (NM_001322010.2); c.1440C>G, p.Ser480Arg (NM_001322011.2, NM_001322012.2); c.1800C>G, p.Ser600Arg (NM_001322013.2); c.2406C>G, p.Ser802Arg (NM_001322014.2); and 1 more; short protein forms S604R, S685R, S739R, S600R, S667R, S688R, S480R, S656R.
Identifiers: ClinVar variation 960950 (VCV000960950.9), dbSNP rs864622765, ClinGen allele CA366735786.